The following is an entry in ClinVar:

NM_000834.5(GRIN2B):c.3566T>G (p.Val1189Gly)

Gene: GRIN2B (glutamate ionotropic receptor NMDA type subunit 2B; minus strand). Cytogenetic location: 12p13.1.
Variant type: single nucleotide variant.
Coding change: c.3566T>G on transcript NM_000834.5 (MANE Select); coding-DNA position 3566, T replaced by G.
Protein change: p.Val1189Gly; replaces valine 1189 with glycine.
Molecular consequence: missense variant.
Genome position (GRCh38, 1-based): chr12:13,563,672, A>C on the plus strand (T>G on the coding strand, the complement: GRIN2B is on the minus strand). VCF-style: chr12-13563672-A-C. GRCh37 (hg19) VCF-style: chr12-13716606-A-C.
Other names: c.3566T>G, p.Val1189Gly (NM_001413992.1); short protein forms V1189G.
Identifiers: ClinVar variation 2924323 (VCV002924323.3), dbSNP rs1006226313, ClinGen allele CA233133575.
Genomic context (GRCh38, chr12:13,563,672, plus strand): 5'-CGGTCCTCCCACTCCACGTTGGTCAGGTTCTTCTCCCAAGGTGCAGGTACCCCGCTGACC[A>C]CGCCGTGTTTGTCGCCCGTCCCGTGCTTGATGTGAGACCTGTTGGTACAGGGCCCTCCTC-3'
Protein context (NP_000825.2, residues 1179-1199): IKHGTGDKHG[Val1189Gly]VSGVPAPWEK

ClinVar aggregate classification (germline): Uncertain significance (1 of 4 stars; one submission).

Conditions:
Intellectual developmental disorder, autosomal dominant 6, with or without seizures. Also called: GRIN2B-related developmental delay, intellectual disability and autism spectrum disorder; Intellectual disability, autosomal dominant 6. Identifiers: Orphanet 589547, MedGen C3151411, MONDO:0013509, OMIM 613970.
Developmental and epileptic encephalopathy, 27 (DEE27). Also called: Epileptic encephalopathy, early infantile, 27; GRIN2B-Related Neurodevelopmental Disorder. Identifiers: Orphanet 3451, MedGen C4015316, MONDO:0014505, OMIM 616139.

Submission:

Labcorp Genetics (formerly Invitae), Labcorp
Classification: Uncertain significance for Developmental and epileptic encephalopathy, 27; Intellectual developmental disorder, autosomal dominant 6, with or without seizures. Last evaluated: 2023-07-25. Review status: criteria provided, single submitter. Criteria: Invitae Variant Classification Sherloc (09022015). Collection method: clinical testing. Allele origin: germline.
Comment: This sequence change replaces valine, which is neutral and non-polar, with glycine, which is neutral and non-polar, at codon 1189 of the GRIN2B protein (p.Val1189Gly). In summary, the available evidence is currently insufficient to determine the role of this variant in disease. Therefore, it has been classified as a Variant of Uncertain Significance. Advanced modeling of protein sequence and biophysical properties (such as structural, functional, and spatial information, amino acid conservation, physicochemical variation, residue mobility, and thermodynamic stability) performed at Invitae indicates that this missense variant is not expected to disrupt GRIN2B protein function. This variant has not been reported in the literature in individuals affected with GRIN2B-related conditions. This variant is not present in population databases (gnomAD no frequency).